The following is an entry in ClinVar:

ClinVar aggregate classification (germline): Pathogenic (1 of 4 stars; one submission).

Conditions:
Developmental and epileptic encephalopathy, 27 (DEE27). Also called: Epileptic encephalopathy, early infantile, 27; GRIN2B-Related Neurodevelopmental Disorder. Identifiers: Orphanet 3451, MedGen C4015316, MONDO:0014505, OMIM 616139.
Intellectual developmental disorder, autosomal dominant 6, with or without seizures. Also called: Intellectual disability, autosomal dominant 6; GRIN2B-related developmental delay, intellectual disability and autism spectrum disorder. Identifiers: Orphanet 589547, MedGen C3151411, MONDO:0013509, OMIM 613970.

Submission:

Labcorp Genetics (formerly Invitae), Labcorp
Classification: Pathogenic for Developmental and epileptic encephalopathy, 27; Intellectual developmental disorder, autosomal dominant 6, with or without seizures. Last evaluated: 2025-09-19. Review status: criteria provided, single submitter. Criteria: Invitae Variant Classification Sherloc (09022015). Collection method: clinical testing. Allele origin: germline.
Comment: This variant, c.1228_1257del, results in the deletion of 10 amino acid(s) of the GRIN2B protein (p.Thr410_Val419del), but otherwise preserves the integrity of the reading frame. This variant is not present in population databases (gnomAD no frequency). This variant has been observed in individual(s) with GRIN2B-related conditions (internal data). In at least one individual the variant was observed to be de novo. This variant disrupts a region of the GRIN2B protein in which other variant(s) (p.Glu413Gly) have been determined to be pathogenic (PMID: 24863970). This suggests that this is a clinically significant region of the protein, and that variants that disrupt it are likely to be disease-causing. For these reasons, this variant has been classified as Pathogenic.

Literature cited by the submitters: PubMed 24863970.

NM_000834.5(GRIN2B):c.1228_1257del (p.Thr410_Val419del)

Gene: GRIN2B (glutamate ionotropic receptor NMDA type subunit 2B; minus strand). Cytogenetic location: 12p13.1.
Variant type: Deletion.
Coding change: c.1228_1257del on transcript NM_000834.5 (MANE Select); coding-DNA positions 1228 to 1257, 30 bases deleted (ACCCTGGAGGAGGCACCATTTGTCATTGTG).
Protein change: p.Thr410_Val419del.
Genome position (GRCh38, 1-based): chr12:13,616,526-13,616,555, CACAATGACAAATGGTGCCTCCTCCAGGGT deleted on the plus strand (ACCCTGGAGGAGGCACCATTTGTCATTGTG on the coding strand, the reverse complement: GRIN2B is on the minus strand); deleting any 30 consecutive bases within chr12:13,616,526-13,616,562 gives the same sequence; the c. name uses the placement nearest the transcript's 3' end. VCF-style (leftmost placement, unchanged base first): chr12-13616525-CCACAATGACAAATGGTGCCTCCTCCAGGGT-C. GRCh37 (hg19) VCF-style: chr12-13769459-CCACAATGACAAATGGTGCCTCCTCCAGGGT-C.
Other names: c.1228_1257del, p.Thr410_Val419del (NM_001413992.1).
Identifiers: ClinVar variation 4786174 (VCV004786174.1).